The following is an entry in ClinVar:

NM_000057.4(BLM):c.4078G>A (p.Gly1360Arg)

Gene: BLM (BLM RecQ like helicase; plus strand). Cytogenetic location: 15q26.1.
Variant type: single nucleotide variant.
Coding change: c.4078G>A on transcript NM_000057.4 (MANE Select); coding-DNA position 4078, G replaced by A.
Protein change: p.Gly1360Arg; replaces glycine 1360 with arginine.
Molecular consequence: missense variant.
Genome position (GRCh38, 1-based): chr15:90,815,103, G>A. VCF-style: chr15-90815103-G-A. GRCh37 (hg19) VCF-style: chr15-91358333-G-A.
Other names: c.4078G>A, p.Gly1360Arg (NM_001287246.2); c.3685G>A, p.Gly1229Arg (NM_001287247.2); c.2953G>A, p.Gly985Arg (NM_001287248.2); c.4078G>A (NM_000057.2); short protein forms G1360R, G1229R, G985R.
Identifiers: ClinVar variation 1355229 (VCV001355229.6), dbSNP rs1897524090, ClinGen allele CA393852025.

ClinVar aggregate classification (germline): Uncertain significance. Review status: criteria provided, multiple submitters, no conflicts (2 of 4 stars). 2 submissions from 2 submitters: Uncertain significance (2). Last evaluated 2023-01-31.

Conditions:
Hereditary cancer-predisposing syndrome. Also called: Neoplastic Syndromes, Hereditary; Tumor predisposition; Hereditary neoplastic syndrome; Hereditary Cancer Syndrome. Identifiers: Orphanet 140162, MedGen C0027672, MeSH D009386, MONDO:0015356.
Bloom syndrome (BLM). Also called: Bloom-Torre-Machacek syndrome. Identifiers: Orphanet 125, MedGen C0005859, MONDO:0008876, OMIM 210900.

Submissions (2):

Ambry Genetics
Classification: Uncertain significance for Hereditary cancer-predisposing syndrome. Last evaluated: 2023-01-31. Review status: criteria provided, single submitter. Criteria: Ambry Variant Classification Scheme 2023. Collection method: clinical testing. Allele origin: germline.
Comment: The p.G1360R variant (also known as c.4078G>A), located in coding exon 21 of the BLM gene, results from a G to A substitution at nucleotide position 4078. The glycine at codon 1360 is replaced by arginine, an amino acid with dissimilar properties. This amino acid position is conserved. In addition, this alteration is predicted to be tolerated by in silico analysis. Since supporting evidence is limited at this time, the clinical significance of this alteration remains unclear.

Labcorp Genetics (formerly Invitae), Labcorp
Classification: Uncertain significance for Bloom syndrome. Last evaluated: 2021-08-27. Review status: criteria provided, single submitter. Criteria: Invitae Variant Classification Sherloc (09022015). Collection method: clinical testing. Allele origin: germline.
Comment: This sequence change replaces glycine with arginine at codon 1360 of the BLM protein (p.Gly1360Arg). The glycine residue is weakly conserved and there is a moderate physicochemical difference between glycine and arginine. This variant is not present in population databases (ExAC no frequency). This variant has not been reported in the literature in individuals affected with BLM-related conditions. Algorithms developed to predict the effect of missense changes on protein structure and function output the following: SIFT: "Tolerated"; PolyPhen-2: "Benign"; Align-GVGD: "Class C0". The arginine amino acid residue is found in multiple mammalian species, which suggests that this missense change does not adversely affect protein function. In summary, the available evidence is currently insufficient to determine the role of this variant in disease. Therefore, it has been classified as a Variant of Uncertain Significance.